The following is an entry in ClinVar:

ClinVar aggregate classification (germline): Likely benign. Review status: criteria provided, multiple submitters, no conflicts (2 of 4 stars). 3 submissions from 3 submitters: Likely benign (2). 1 of the submissions does not count toward it. Last evaluated 2025-06-17.

Conditions:
Tobacco use disorder. Identifiers: MedGen C0040336.
Familial sleep-related hypermotor epilepsy. Also called: Autosomal Dominant Sleep-Related Hypermotor (Hyperkinetic) Epilepsy. Identifiers: Orphanet 98784, MedGen C3696898, MONDO:0000030.

Allele frequency attached by ClinVar (database versions not stated): gnomAD exomes 0.00002; ExAC 0.00003; gnomAD 0.00007 and 0.00008; TOPMed 0.00011.

Submissions (3):

Labcorp Genetics (formerly Invitae), Labcorp
Classification: Likely benign. Last evaluated: 2025-06-17. Review status: criteria provided, single submitter. Criteria: Invitae Variant Classification Sherloc (09022015). Collection method: clinical testing. Allele origin: germline.

GeneDx
Classification: Likely benign. Last evaluated: 2019-11-25. Review status: criteria provided, single submitter. Criteria: GeneDx Variant Classification Process June 2021. Collection method: clinical testing. Allele origin: germline. Affected: yes.
Comment: This variant is associated with the following publications: (PMID: 21683344)

Psychiatry Genetics Yale University
No classification provided. Review status: no classification provided. Collection method: not provided. Allele origin: somatic. Not counted in ClinVar's aggregate classification.

NM_000744.7(CHRNA4):c.1087G>A (p.Val363Met)

Gene: CHRNA4 (cholinergic receptor nicotinic alpha 4 subunit; minus strand). Cytogenetic location: 20q13.33.
Variant type: single nucleotide variant.
Coding change: c.1087G>A on transcript NM_000744.7 (MANE Select); coding-DNA position 1087, G replaced by A.
Protein change: p.Val363Met; replaces valine 363 with methionine.
Molecular consequence: missense variant. On other transcripts: non-coding transcript variant (1).
Genome position (GRCh38, 1-based): chr20:63,350,324, C>T on the plus strand (G>A on the coding strand, the complement: CHRNA4 is on the minus strand). VCF-style: chr20-63350324-C-T. GRCh37 (hg19) VCF-style: chr20-61981676-C-T.
Other names: p.V363M:GTG>ATG; c.559G>A, p.Val187Met (NM_001256573.2); short protein forms V363M, V187M.
Identifiers: ClinVar variation 98304 (VCV000098304.14), dbSNP rs121912266, ClinGen allele CA150388.